The following is an entry in ClinVar:

ClinVar aggregate classification (germline): Uncertain significance (1 of 4 stars; one submission).

Conditions:
Tay-Sachs disease (TSD). Also called: HEXA DEFICIENCY; GM2 gangliosidosis, type 1; Hexosaminidase alpha-subunit deficiency (variant B); Sphingolipidosis, Tay-Sachs; HEXA Disorders; Hexosaminidase A Deficiency. Identifiers: Orphanet 845, MedGen C0039373, MONDO:0010100, OMIM 272800.

Allele frequency attached by ClinVar (database versions not stated): TOPMed below 0.00001.

Submission:

Labcorp Genetics (formerly Invitae), Labcorp
Classification: Uncertain significance for Tay-Sachs disease. Last evaluated: 2021-06-11. Review status: criteria provided, single submitter. Criteria: Invitae Variant Classification Sherloc (09022015). Collection method: clinical testing. Allele origin: germline.
Comment: This sequence change replaces serine with threonine at codon 51 of the HEXA protein (p.Ser51Thr). The serine residue is weakly conserved and there is a small physicochemical difference between serine and threonine. This variant is not present in population databases (ExAC no frequency). This variant has not been reported in the literature in individuals with HEXA-related conditions. Algorithms developed to predict the effect of missense changes on protein structure and function (SIFT, PolyPhen-2, Align-GVGD) all suggest that this variant is likely to be tolerated, but these predictions have not been confirmed by published functional studies and their clinical significance is uncertain. In summary, the available evidence is currently insufficient to determine the role of this variant in disease. Therefore, it has been classified as a Variant of Uncertain Significance.

NM_000520.6(HEXA):c.152G>C (p.Ser51Thr)

Gene: HEXA (hexosaminidase subunit alpha; minus strand). Cytogenetic location: 15q23.
Variant type: single nucleotide variant.
Coding change: c.152G>C on transcript NM_000520.6 (MANE Select); coding-DNA position 152, G replaced by C.
Protein change: p.Ser51Thr; replaces serine 51 with threonine.
Molecular consequence: missense variant. On other transcripts: non-coding transcript variant (1).
Genome position (GRCh38, 1-based): chr15:72,375,821, C>G on the plus strand (G>C on the coding strand, the complement: HEXA is on the minus strand). VCF-style: chr15-72375821-C-G. GRCh37 (hg19) VCF-style: chr15-72668162-C-G.
Other names: c.152G>C, p.Ser51Thr (NM_001318825.2); short protein forms S51T.
Identifiers: ClinVar variation 1430650 (VCV001430650.8), dbSNP rs2089058076, ClinGen allele CA393070369.